The following is an entry in ClinVar:

ClinVar aggregate classification (germline): Uncertain significance (1 of 4 stars; one submission).

Conditions:
Senior-Loken syndrome 7 (SLSN7). Identifiers: Orphanet 3156, MedGen C3150877, MONDO:0013326, OMIM 613615.
Bardet-Biedl syndrome 16 (BBS16). Identifiers: Orphanet 110, MedGen C3889474, MONDO:0014444, OMIM 615993.

Allele frequency attached by ClinVar (database versions not stated): TOPMed below 0.00001.

Submission:

Labcorp Genetics (formerly Invitae), Labcorp
Classification: Uncertain significance for Bardet-Biedl syndrome 16; Senior-Loken syndrome 7. Last evaluated: 2022-07-05. Review status: criteria provided, single submitter. Criteria: Invitae Variant Classification Sherloc (09022015). Collection method: clinical testing. Allele origin: germline.
Comment: This sequence change replaces arginine, which is basic and polar, with serine, which is neutral and polar, at codon 307 of the SDCCAG8 protein (p.Arg307Ser). In summary, the available evidence is currently insufficient to determine the role of this variant in disease. Therefore, it has been classified as a Variant of Uncertain Significance. Algorithms developed to predict the effect of missense changes on protein structure and function (SIFT, PolyPhen-2, Align-GVGD) all suggest that this variant is likely to be tolerated. ClinVar contains an entry for this variant (Variation ID: 1490225). This variant has not been reported in the literature in individuals affected with SDCCAG8-related conditions. This variant is not present in population databases (gnomAD no frequency).

NM_006642.5(SDCCAG8):c.921A>T (p.Arg307Ser)

Gene: SDCCAG8 (SHH signaling and ciliogenesis regulator SDCCAG8; plus strand). Cytogenetic location: 1q43.
Variant type: single nucleotide variant.
Coding change: c.921A>T on transcript NM_006642.5 (MANE Select); coding-DNA position 921, A replaced by T.
Protein change: p.Arg307Ser; replaces arginine 307 with serine.
Molecular consequence: missense variant.
Genome position (GRCh38, 1-based): chr1:243,308,169, A>T. VCF-style: chr1-243308169-A-T. GRCh37 (hg19) VCF-style: chr1-243471471-A-T.
Other names: c.18A>T, p.Arg6Ser (NM_001350246.2, NM_001350247.2, NM_001350251.2); c.1017A>T, p.Arg339Ser (NM_001350248.2); c.627A>T, p.Arg209Ser (NM_001350249.2); short protein forms R209S, R307S, R6S, R339S.
Identifiers: ClinVar variation 1490225 (VCV001490225.6), dbSNP rs2072347543, ClinGen allele CA345479348.